The following is an entry in ClinVar:

ClinVar aggregate classification (germline): Uncertain significance (1 of 4 stars; one submission).

Conditions:
Aortic valve disease 2 (AOVD2). Identifiers: MedGen C3542024, MONDO:0013902, OMIM 614823.

Allele frequency attached by ClinVar (database versions not stated): TOPMed below 0.00001.

Submission:

Labcorp Genetics (formerly Invitae), Labcorp
Classification: Uncertain significance for Aortic valve disease 2. Last evaluated: 2021-05-31. Review status: criteria provided, single submitter. Criteria: Invitae Variant Classification Sherloc (09022015). Collection method: clinical testing. Allele origin: germline.
Comment: This variant is not present in population databases (ExAC no frequency). This sequence change replaces serine with threonine at codon 483 of the SMAD6 protein (p.Ser483Thr). The serine residue is highly conserved and there is a small physicochemical difference between serine and threonine. This variant has not been reported in the literature in individuals with SMAD6-related conditions. Algorithms developed to predict the effect of missense changes on protein structure and function are either unavailable or do not agree on the potential impact of this missense change (SIFT: "Tolerated"; PolyPhen-2: "Probably Damaging"; Align-GVGD: "Class C0"). In summary, the available evidence is currently insufficient to determine the role of this variant in disease. Therefore, it has been classified as a Variant of Uncertain Significance.

NM_005585.5(SMAD6):c.1447T>A (p.Ser483Thr)

Gene: SMAD6 (SMAD family member 6; plus strand). Cytogenetic location: 15q22.31.
Variant type: single nucleotide variant.
Coding change: c.1447T>A on transcript NM_005585.5 (MANE Select); coding-DNA position 1447, T replaced by A.
Protein change: p.Ser483Thr; replaces serine 483 with threonine.
Molecular consequence: missense variant. On other transcripts: non-coding transcript variant (1).
Genome position (GRCh38, 1-based): chr15:66,781,491, T>A. VCF-style: chr15-66781491-T-A. GRCh37 (hg19) VCF-style: chr15-67073829-T-A.
Other names: short protein forms S483T.
Identifiers: ClinVar variation 1357887 (VCV001357887.8), dbSNP rs1894575580, ClinGen allele CA393202555.